The following is an entry in ClinVar:

NM_001649.4(SHROOM2):c.3774G>C (p.Ser1258=)

Gene: SHROOM2 (shroom family member 2; plus strand). Cytogenetic location: Xp22.2.
Variant type: single nucleotide variant.
Coding change: c.3774G>C on transcript NM_001649.4 (MANE Select); coding-DNA position 3774, G replaced by C.
Protein change: p.Ser1258=; no amino-acid change (serine 1258 retained).
Molecular consequence: synonymous variant.
Genome position (GRCh38, 1-based): chrX:9,937,320, G>C. VCF-style: chrX-9937320-G-C. GRCh37 (hg19) VCF-style: chrX-9905360-G-C.
Other names: c.279G>C, p.Ser93= (NM_001320663.2, NM_001320664.2).
Identifiers: ClinVar variation 777785 (VCV000777785.7), dbSNP rs7881210, ClinGen allele CA10345830.

ClinVar aggregate classification (germline): Benign. Review status: criteria provided, multiple submitters, no conflicts (2 of 4 stars). 3 submissions from 3 submitters: Benign (2). 1 of the submissions does not count toward it. Last evaluated 2019-12-31.

Conditions:
SHROOM2-related disorder. Also called: SHROOM2-related condition.

Allele frequency attached by ClinVar (database versions not stated): ESP Exome Variant Server 0.02084; 1000 Genomes Project 30x 0.02164; gnomAD 0.01482; TOPMed 0.01893; 1000 Genomes Project 0.01987.
gnomAD v4.1: 3,865 of 1,206,114 alleles (0.32%); highest among the groups gnomAD compares: African/African-American, 5.8%; 89 homozygotes.

Submissions (3):

Labcorp Genetics (formerly Invitae), Labcorp
Classification: Benign. Last evaluated: 2019-12-31. Review status: criteria provided, single submitter. Criteria: Invitae Variant Classification Sherloc (09022015). Collection method: clinical testing. Allele origin: germline.

Breakthrough Genomics
Classification: Benign. Review status: criteria provided, single submitter. Criteria: ACMG Guidelines, 2015. Collection method: not provided. Allele origin: germline. Inheritance: Unknown mechanism. Affected: yes.

PreventionGenetics, part of Exact Sciences
Classification: Benign for SHROOM2-related condition. Last evaluated: 2024-08-13. Review status: no assertion criteria provided. Collection method: clinical testing. Allele origin: germline. Not counted in ClinVar's aggregate classification.
Comment: This variant is classified as benign based on ACMG/AMP sequence variant interpretation guidelines (Richards et al. 2015 PMID: 25741868, with internal and published modifications).